The following is an entry in ClinVar:

NM_000206.3(IL2RG):c.1010C>A (p.Pro337Gln)

Gene: IL2RG (interleukin 2 receptor subunit gamma; minus strand). Cytogenetic location: Xq13.1.
Variant type: single nucleotide variant.
Coding change: c.1010C>A on transcript NM_000206.3 (MANE Select); coding-DNA position 1010, C replaced by A.
Protein change: p.Pro337Gln; replaces proline 337 with glutamine.
Molecular consequence: missense variant.
Genome position (GRCh38, 1-based): chrX:71,107,836, G>T on the plus strand (C>A on the coding strand, the complement: IL2RG is on the minus strand). VCF-style: chrX-71107836-G-T. GRCh37 (hg19) VCF-style: chrX-70327686-G-T.
Other names: short protein forms P337Q.
Identifiers: ClinVar variation 2157916 (VCV002157916.4), dbSNP rs753250328, ClinGen allele CA413627873.

ClinVar aggregate classification (germline): Uncertain significance. Review status: criteria provided, multiple submitters, no conflicts (2 of 4 stars). 2 submissions from 2 submitters: Uncertain significance (2). Last evaluated 2024-03-25.

Conditions:
X-linked severe combined immunodeficiency (SCIDX1). Also called: X-Linked Combined Immunodeficiency Diseases; IMMUNODEFICIENCY 4; SCID, X-LINKED; SEVERE COMBINED IMMUNODEFICIENCY, X-LINKED, T CELL-NEGATIVE, B CELL-POSITIVE, NK CELL-NEGATIVE; T-B+ severe combined immunodeficiency due to gamma chain deficiency. Identifiers: Orphanet 276, MedGen C6022468, MONDO:0010315, OMIM 300400. Disease mechanism: loss of function.
Inborn genetic diseases. Identifiers: MedGen C0950123, MeSH D030342.

gnomAD v4.1: 9 of 1,206,778 alleles (0.00075%); highest among the groups gnomAD compares: Non-Finnish European, 0.001%; no homozygotes.

Submissions (2):

Ambry Genetics
Classification: Uncertain significance for Inborn genetic diseases. Last evaluated: 2024-03-25. Review status: criteria provided, single submitter. Criteria: Ambry Variant Classification Scheme 2023. Collection method: clinical testing. Allele origin: germline.

Labcorp Genetics (formerly Invitae), Labcorp
Classification: Uncertain significance for X-linked severe combined immunodeficiency. Last evaluated: 2024-02-28. Review status: criteria provided, single submitter. Criteria: Invitae Variant Classification Sherloc (09022015). Collection method: clinical testing. Allele origin: germline.
Comment: This sequence change replaces proline, which is neutral and non-polar, with glutamine, which is neutral and polar, at codon 337 of the IL2RG protein (p.Pro337Gln). This variant is not present in population databases (gnomAD no frequency). This variant has not been reported in the literature in individuals affected with IL2RG-related conditions. ClinVar contains an entry for this variant (Variation ID: 2157916). Advanced modeling of protein sequence and biophysical properties (such as structural, functional, and spatial information, amino acid conservation, physicochemical variation, residue mobility, and thermodynamic stability) has been performed at Invitae for this missense variant, however the output from this modeling did not meet the statistical confidence thresholds required to predict the impact of this variant on IL2RG protein function. In summary, the available evidence is currently insufficient to determine the role of this variant in disease. Therefore, it has been classified as a Variant of Uncertain Significance.